The following is an entry in ClinVar:

ClinVar aggregate classification (germline): Likely benign. Review status: criteria provided, multiple submitters, no conflicts (2 of 4 stars). 3 submissions from 3 submitters: Likely benign (2). 1 of the submissions does not count toward it. Last evaluated 2025-03-27.

Conditions:
CACNA1G-related disorder. Also called: CACNA1G-related disorders; CACNA1G-related condition.

Allele frequency attached by ClinVar (database versions not stated): gnomAD 0.00003; TOPMed 0.00003; ExAC 0.00007; ESP Exome Variant Server 0.00008.
gnomAD v4.1: 30 of 1,576,540 alleles (0.0019%); highest among the groups gnomAD compares: Admixed American, 0.011%; no homozygotes.

Submissions (3):

Labcorp Genetics (formerly Invitae), Labcorp
Classification: Likely benign. Last evaluated: 2025-03-27. Review status: criteria provided, single submitter. Criteria: Invitae Variant Classification Sherloc (09022015). Collection method: clinical testing. Allele origin: germline.

Blueprint Genetics
Classification: Likely benign. Last evaluated: 2024-07-05. Review status: criteria provided, single submitter. Criteria: ACMG Guidelines, 2015. Collection method: clinical testing. Allele origin: germline.

PreventionGenetics, part of Exact Sciences
Classification: Likely benign for CACNA1G-related condition. Last evaluated: 2019-10-14. Review status: no assertion criteria provided. Collection method: clinical testing. Allele origin: germline. Not counted in ClinVar's aggregate classification.
Comment: This variant is classified as likely benign based on ACMG/AMP sequence variant interpretation guidelines (Richards et al. 2015 PMID: 25741868, with internal and published modifications).

NM_018896.5(CACNA1G):c.1647C>T (p.Gly549=)

Gene: CACNA1G (calcium voltage-gated channel subunit alpha1 G; plus strand). Cytogenetic location: 17q21.33.
Variant type: single nucleotide variant.
Coding change: c.1647C>T on transcript NM_018896.5 (MANE Select); coding-DNA position 1647, C replaced by T.
Protein change: p.Gly549=; no amino-acid change (glycine 549 retained).
Molecular consequence: synonymous variant. On other transcripts: non-coding transcript variant (5).
Genome position (GRCh38, 1-based): chr17:50,576,049, C>T. VCF-style: chr17-50576049-C-T. GRCh37 (hg19) VCF-style: chr17-48653410-C-T.
Other names: c.1647C>T, p.Gly549= (NM_001256324.2, NM_001256325.2, NM_001256326.2 and 24 more transcripts); c.1647C>T (NM_018896.4).
Identifiers: ClinVar variation 2748311 (VCV002748311.6), dbSNP rs367919809, ClinGen allele CA8652215.